The following is an entry in ClinVar:

ClinVar aggregate classification (germline): Uncertain significance (1 of 4 stars; one submission).

Conditions:
Charcot-Marie-Tooth disease type 2B (CMT2B). Also called: Charcot-Marie-Tooth Neuropathy Type 2B; HEREDITARY MOTOR AND SENSORY NEUROPATHY IIB; CHARCOT-MARIE-TOOTH DISEASE, AXONAL, TYPE 2B; CHARCOT-MARIE-TOOTH DISEASE, AUTOSOMAL DOMINANT, TYPE 2B. Identifiers: Orphanet 99936, MedGen C1833219, MONDO:0010949, OMIM 600882.

Allele frequency attached by ClinVar (database versions not stated): ExAC 0.00001; gnomAD exomes 0.00001; gnomAD 0.00002; TOPMed 0.00002.
gnomAD v4.1: 15 of 1,614,080 alleles (0.00093%); highest among the groups gnomAD compares: Non-Finnish European, 0.0013%; no homozygotes.

Submission:

Labcorp Genetics (formerly Invitae), Labcorp
Classification: Uncertain significance for Charcot-Marie-Tooth disease type 2B. Last evaluated: 2025-12-15. Review status: criteria provided, single submitter. Criteria: Invitae Variant Classification Sherloc (09022015). Collection method: clinical testing. Allele origin: germline.
Comment: This sequence change replaces alanine, which is neutral and non-polar, with threonine, which is neutral and polar, at codon 170 of the RAB7A protein (p.Ala170Thr). This variant is present in population databases (rs750766845, gnomAD 0.002%). This variant has not been reported in the literature in individuals affected with RAB7A-related conditions. ClinVar contains an entry for this variant (Variation ID: 1373051). An algorithm developed to predict the effect of missense changes on protein structure and function (PolyPhen-2) suggests that this variant is likely to be disruptive. In summary, the available evidence is currently insufficient to determine the role of this variant in disease. Therefore, it has been classified as a Variant of Uncertain Significance.

NM_004637.6(RAB7A):c.508G>A (p.Ala170Thr)

Gene: RAB7A (RAB7A, member RAS oncogene family; plus strand). Cytogenetic location: 3q21.3.
Variant type: single nucleotide variant.
Coding change: c.508G>A on transcript NM_004637.6 (MANE Select); coding-DNA position 508, G replaced by A.
Protein change: p.Ala170Thr; replaces alanine 170 with threonine.
Molecular consequence: missense variant.
Genome position (GRCh38, 1-based): chr3:128,807,651, G>A. VCF-style: chr3-128807651-G-A. GRCh37 (hg19) VCF-style: chr3-128526494-G-A.
Other names: short protein forms A170T.
Identifiers: ClinVar variation 1373051 (VCV001373051.8), dbSNP rs750766845, ClinGen allele CA2600856.